The following is an entry in ClinVar:

ClinVar aggregate classification (germline): Uncertain significance (1 of 4 stars; one submission).

Conditions:
Arginase deficiency. Also called: ARGININEMIA; ARG1 DEFICIENCY; Arginase 1 Deficiency. Identifiers: Orphanet 90, MedGen C0268548, MONDO:0008814, OMIM 207800.

Allele frequency attached by ClinVar (database versions not stated): TOPMed below 0.00001; gnomAD 0.00001; gnomAD exomes 0.00001.
gnomAD v4.1: 13 of 1,612,108 alleles (0.00081%); highest among the groups gnomAD compares: Non-Finnish European, 0.0011%; no homozygotes.

Submission:

Labcorp Genetics (formerly Invitae), Labcorp
Classification: Uncertain significance for Arginase deficiency. Last evaluated: 2024-10-15. Review status: criteria provided, single submitter. Criteria: Invitae Variant Classification Sherloc (09022015). Collection method: clinical testing. Allele origin: germline.
Comment: This sequence change falls in intron 6 of the ARG1 gene. It does not directly change the encoded amino acid sequence of the ARG1 protein. It affects a nucleotide within the consensus splice site. This variant is not present in population databases (gnomAD no frequency). This variant has not been reported in the literature in individuals affected with ARG1-related conditions. ClinVar contains an entry for this variant (Variation ID: 1509483). Variants that disrupt the consensus splice site are a relatively common cause of aberrant splicing (PMID: 17576681, 9536098). Algorithms developed to predict the effect of sequence changes on RNA splicing suggest that this variant is not likely to affect RNA splicing. In summary, the available evidence is currently insufficient to determine the role of this variant in disease. Therefore, it has been classified as a Variant of Uncertain Significance.

Literature cited by the submitters: PubMed 17576681; PubMed 9536098.

NM_000045.4(ARG1):c.665+6A>G

Genes: ARG1 (arginase 1; plus strand), MED23 (mediator complex subunit 23; minus strand). Cytogenetic location: 6q23.2.
Variant type: single nucleotide variant.
Coding change: c.665+6A>G on transcript NM_000045.4 (MANE Select); 6 bases into the intron after coding-DNA position 665, A replaced by G.
Molecular consequence: intron variant.
Genome position (GRCh38, 1-based): chr6:131,583,170, A>G. VCF-style: chr6-131583170-A-G. GRCh37 (hg19) VCF-style: chr6-131904310-A-G.
Other names: c.689+6A>G (NM_001244438.2); c.410+6A>G (NM_001369020.1); c.4077+4539T>C (NM_001270521.2); c.4095+4539T>C (NM_015979.4).
Identifiers: ClinVar variation 1509483 (VCV001509483.5), dbSNP rs1413302131, ClinGen allele CA819015375.